The following is an entry in ClinVar:

NM_032119.4(ADGRV1):c.22+56C>T

Genes: ADGRV1 (adhesion G protein-coupled receptor V1; plus strand), LOC129994205 (ATAC-STARR-seq lymphoblastoid silent region 16170; plus strand). Cytogenetic location: 5q14.3.
Variant type: single nucleotide variant.
Coding change: c.22+56C>T on transcript NM_032119.4 (MANE Select); 56 bases into the intron after coding-DNA position 22, C replaced by T.
Molecular consequence: intron variant.
Genome position (GRCh38, 1-based): chr5:90,558,973, C>T. VCF-style: chr5-90558973-C-T. GRCh37 (hg19) VCF-style: chr5-89854790-C-T.
Identifiers: ClinVar variation 676655 (VCV000676655.1), dbSNP rs7706392, ClinGen allele CA121775940.

ClinVar aggregate classification (germline): Benign (1 of 4 stars; one submission).

Allele frequency attached by ClinVar (database versions not stated): gnomAD exomes 0.00830; gnomAD 0.06030 and 0.06449; ESP Exome Variant Server 0.06146; 1000 Genomes Project 0.06370; 1000 Genomes Project 30x 0.06512; TOPMed 0.06935.
gnomAD v4.1: 20,869 of 1,495,974 alleles (1.4%); highest among the groups gnomAD compares: African/African-American, 20%; 1,525 homozygotes.

Submission:

GeneDx
Classification: Benign. Last evaluated: 2018-06-14. Review status: criteria provided, single submitter. Criteria: GeneDx Variant Classification (06012015). Collection method: clinical testing. Allele origin: germline. Affected: yes.
Comment: This variant is considered likely benign or benign based on one or more of the following criteria: it is a conservative change, it occurs at a poorly conserved position in the protein, it is predicted to be benign by multiple in silico algorithms, and/or has population frequency not consistent with disease.